The following is an entry in ClinVar:

ClinVar aggregate classification (germline): Uncertain significance (1 of 4 stars; one submission).

Conditions:
Idiopathic generalized epilepsy. Also called: Generalised epilepsy; EIG. Identifiers: MedGen C0270850, MONDO:0005579, OMIM 600669.

Submission:

Labcorp Genetics (formerly Invitae), Labcorp
Classification: Uncertain significance for Idiopathic generalized epilepsy. Last evaluated: 2025-11-02. Review status: criteria provided, single submitter. Criteria: Invitae Variant Classification Sherloc (09022015). Collection method: clinical testing. Allele origin: germline.
Comment: This sequence change replaces threonine, which is neutral and polar, with methionine, which is neutral and non-polar, at codon 289 of the GABRD protein (p.Thr289Met). This variant is not present in population databases (gnomAD no frequency). This variant has not been reported in the literature in individuals affected with GABRD-related conditions. An algorithm developed to predict the effect of missense changes on protein structure and function (PolyPhen-2) suggests that this variant is likely to be disruptive. In summary, the available evidence is currently insufficient to determine the role of this variant in disease. Therefore, it has been classified as a Variant of Uncertain Significance.

NM_000815.5(GABRD):c.866C>T (p.Thr289Met)

Gene: GABRD (gamma-aminobutyric acid type A receptor subunit delta; plus strand). Cytogenetic location: 1p36.33.
Variant type: single nucleotide variant.
Coding change: c.866C>T on transcript NM_000815.5 (MANE Select); coding-DNA position 866, C replaced by T.
Protein change: p.Thr289Met; replaces threonine 289 with methionine.
Molecular consequence: missense variant.
Genome position (GRCh38, 1-based): chr1:2,029,569, C>T. VCF-style: chr1-2029569-C-T. GRCh37 (hg19) VCF-style: chr1-1961008-C-T.
Other names: short protein forms T289M.
Identifiers: ClinVar variation 4749703 (VCV004749703.1).